The following is an entry in ClinVar:

ClinVar aggregate classification (germline): Pathogenic (1 of 4 stars; one submission).

Conditions:
Leber congenital amaurosis 4 (LCA4). Identifiers: MedGen C1858386, MONDO:0011458, OMIM 604393.

Submission:

Labcorp Genetics (formerly Invitae), Labcorp
Classification: Pathogenic for Leber congenital amaurosis 4. Last evaluated: 2026-01-17. Review status: criteria provided, single submitter. Criteria: Invitae Variant Classification Sherloc (09022015). Collection method: clinical testing. Allele origin: germline.
Comment: This sequence change creates a premature translational stop signal (p.Cys89*) in the AIPL1 gene. It is expected to result in an absent or disrupted protein product. Loss-of-function variants in AIPL1 are known to be pathogenic (PMID: 10615133, 15249368, 15347646). This variant is not present in population databases (gnomAD no frequency). This variant has not been reported in the literature in individuals affected with AIPL1-related conditions. Algorithms developed to predict the effect of sequence changes on RNA splicing suggest that this variant may create or strengthen a splice site. For these reasons, this variant has been classified as Pathogenic.

Literature cited by the submitters: PubMed 10615133; PubMed 15249368; PubMed 15347646.

NM_014336.5(AIPL1):c.267C>A (p.Cys89Ter)

Gene: AIPL1 (AIP like 1 HSP90 co-chaperone; minus strand). Cytogenetic location: 17p13.2.
Variant type: single nucleotide variant.
Coding change: c.267C>A on transcript NM_014336.5 (MANE Select); coding-DNA position 267, C replaced by A.
Protein change: p.Cys89Ter; replaces cysteine 89 with a stop codon.
Molecular consequence: nonsense. On other transcripts: intron variant (1).
Genome position (GRCh38, 1-based): chr17:6,433,928, G>T on the plus strand (C>A on the coding strand, the complement: AIPL1 is on the minus strand). VCF-style: chr17-6433928-G-T. GRCh37 (hg19) VCF-style: chr17-6337248-G-T.
Other names: c.267C>A, p.Cys89Ter (NM_001033054.3, NM_001285401.3, NM_001285403.4); c.231C>A, p.Cys77Ter (NM_001285399.3); c.201C>A, p.Cys67Ter (NM_001285400.3); c.150C>A, p.Cys50Ter (NM_001285402.2); c.96+1081C>A (NM_001033055.3); short protein forms C50*, C67*, C77*, C89*.
Identifiers: ClinVar variation 4735544 (VCV004735544.1).